The following is an entry in ClinVar:

NM_000303.3(PMM2):c.10C>T (p.Pro4Ser)

Gene: PMM2 (phosphomannomutase 2; plus strand). Cytogenetic location: 16p13.2.
Variant type: single nucleotide variant.
Coding change: c.10C>T on transcript NM_000303.3 (MANE Select); coding-DNA position 10, C replaced by T.
Protein change: p.Pro4Ser; replaces proline 4 with serine.
Molecular consequence: missense variant.
Genome position (GRCh38, 1-based): chr16:8,797,892, C>T. VCF-style: chr16-8797892-C-T. GRCh37 (hg19) VCF-style: chr16-8891749-C-T.
Other names: short protein forms P4S.
Identifiers: ClinVar variation 3717225 (VCV003717225.2).

ClinVar aggregate classification (germline): Uncertain significance (1 of 4 stars; one submission).

Conditions:
PMM2-congenital disorder of glycosylation. Also called: PHOSPHOMANNOMUTASE 2 DEFICIENCY; CARBOHYDRATE-DEFICIENT GLYCOPROTEIN SYNDROME, TYPE Ia; Congenital disorder of glycosylation, type Ia; CDG Ia; JAEKEN SYNDROME; PMM2-CDG. Identifiers: Orphanet 79318, MedGen C0349653, MONDO:0008907, OMIM 212065.

Submission:

Labcorp Genetics (formerly Invitae), Labcorp
Classification: Uncertain significance for PMM2-congenital disorder of glycosylation. Last evaluated: 2024-12-24. Review status: criteria provided, single submitter. Criteria: Invitae Variant Classification Sherloc (09022015). Collection method: clinical testing. Allele origin: germline.
Comment: This sequence change replaces proline, which is neutral and non-polar, with serine, which is neutral and polar, at codon 4 of the PMM2 protein (p.Pro4Ser). This variant is not present in population databases (gnomAD no frequency). This variant has not been reported in the literature in individuals affected with PMM2-related conditions. Invitae Evidence Modeling of protein sequence and biophysical properties (such as structural, functional, and spatial information, amino acid conservation, physicochemical variation, residue mobility, and thermodynamic stability) indicates that this missense variant is expected to disrupt PMM2 protein function with a positive predictive value of 95%. In summary, the available evidence is currently insufficient to determine the role of this variant in disease. Therefore, it has been classified as a Variant of Uncertain Significance.